The following is an entry in ClinVar:

NM_015175.3(NBEAL2):c.4371_4375dup (p.Glu1459fs)

Gene: NBEAL2 (neurobeachin like 2; plus strand). Cytogenetic location: 3p21.31.
Variant type: Microsatellite.
Coding change: c.4371_4375dup on transcript NM_015175.3 (MANE Select); coding-DNA positions 4371 to 4375, 5 bases duplicated (CGTGG; older notation c.4371_4375dupCGTGG).
Protein change: p.Glu1459fs; shifts the reading frame from glutamic acid 1459.
Molecular consequence: frameshift variant.
Genome position (GRCh38, 1-based): chr3:47,001,066-47,001,070, CGTGG duplicated; duplicating any 5 consecutive bases within chr3:47,001,056-47,001,070 gives the same sequence; the c. name uses the placement nearest the transcript's 3' end. VCF-style (leftmost placement, unchanged base first): chr3-47001055-A-ACGTGG. GRCh37 (hg19) VCF-style: chr3-47042545-A-ACGTGG.
Other names: c.4269_4273dup, p.Glu1425fs (NM_001365116.2); c.4361_4365CGTGG[4], p.Glu1459Alafs (NM_015175.2); c.4371_4375dupCGTGG (NM_015175.2); short protein forms E1425fs, E1459fs.
Identifiers: ClinVar variation 1705844 (VCV001705844.2), dbSNP rs1233482159, ClinGen allele CA433598494.
Genomic context (GRCh38, chr3:47,001,055, plus strand): 5'-CCACAGCAAACCTCTGAGGAAGAGTTGTGCAATCTGCTCACCAACGTGCTGTTCTCGGTG[A>ACGTGG]CGTGGCGTGGCGTGGAAGGCAGCGATGAGGCTGCCTGGCGGGAGCGTGGCCAGGTTTTCT-3'

ClinVar aggregate classification (germline): Likely pathogenic. Review status: criteria provided, multiple submitters, no conflicts (2 of 4 stars). 2 submissions from 2 submitters: Likely pathogenic (2). Last evaluated 2020-02-05.

Conditions:
NBEAL2-related disorder. Also called: NBEAL2-related condition.
Gray platelet syndrome (GPS). Also called: BLEEDING DISORDER, PLATELET-TYPE, 4. Identifiers: Orphanet 721, MedGen C0272302, MONDO:0007686, OMIM 139090.

Submissions (2):

Blueprint Genetics
Classification: Likely pathogenic for NBEAL2-related disorders. Last evaluated: 2020-02-05. Review status: criteria provided, single submitter. Criteria: ACMG Guidelines, 2015. Collection method: clinical testing. Allele origin: germline. Affected: yes. Observed: 3 variant alleles.

ISTH-SSC Genomics in Thrombosis and Hemostasis, KU Leuven, Center for Molecular and Vascular Biology
Classification: Likely pathogenic for Gray platelet syndrome. Review status: criteria provided, single submitter. Criteria: ACMG Guidelines, 2015. Collection method: clinical testing. Allele origin: germline. Affected: yes. Observed: 1 homozygote.
Comment: Submitted to GoldVariant by Kathleen Freson, Center for Molecular and Vascular Biology, Leuven, Belgium